The following is an entry in ClinVar:

NM_001113378.2(FANCI):c.998C>A (p.Ser333Ter)

Gene: FANCI (FA complementation group I; plus strand). Cytogenetic location: 15q26.1.
Variant type: single nucleotide variant.
Coding change: c.998C>A on transcript NM_001113378.2 (MANE Select); coding-DNA position 998, C replaced by A.
Protein change: p.Ser333Ter; replaces serine 333 with a stop codon.
Molecular consequence: nonsense.
Genome position (GRCh38, 1-based): chr15:89,274,190, C>A. VCF-style: chr15-89274190-C-A. GRCh37 (hg19) VCF-style: chr15-89817421-C-A.
Other names: c.719C>A, p.Ser240Ter (NM_001376910.1); c.998C>A, p.Ser333Ter (NM_001376911.1, NM_018193.3); short protein forms S240*, S333*.
Identifiers: ClinVar variation 1441734 (VCV001441734.9), dbSNP rs761982725, ClinGen allele CA393741544.

ClinVar aggregate classification (germline): Pathogenic/Likely pathogenic. Review status: criteria provided, multiple submitters, no conflicts (2 of 4 stars). 4 submissions from 4 submitters: Pathogenic (1); Likely pathogenic (3). Last evaluated 2023-10-25.

Conditions:
FANCI-related disorders.
Fanconi anemia complementation group I (FANCI). Also called: FANCI-Related Fanconi Anemia. Identifiers: Orphanet 84, MedGen C1836861, MONDO:0012186, OMIM 609053.
Fanconi anemia (FA). Also called: Fanconi's anemia. Identifiers: Orphanet 84, MedGen C0015625, MeSH D005199, MONDO:0019391.

gnomAD v4.1: 9 of 1,581,352 alleles (0.00057%); highest among the groups gnomAD compares: Admixed American, 0.013%; no homozygotes.

Submissions (4):

Baylor Genetics
Classification: Likely pathogenic for Fanconi anemia complementation group I. Last evaluated: 2023-10-25. Review status: criteria provided, single submitter. Criteria: ACMG Guidelines, 2015. Collection method: clinical testing. Allele origin: unknown.

Blueprint Genetics
Classification: Likely pathogenic for FANCI-related disorders. Last evaluated: 2023-01-26. Review status: criteria provided, single submitter. Criteria: ACMG Guidelines, 2015. Collection method: clinical testing. Allele origin: germline. Affected: yes. Observed: 3 variant alleles.

Labcorp Genetics (formerly Invitae), Labcorp
Classification: Pathogenic for Fanconi anemia. Last evaluated: 2022-01-15. Review status: criteria provided, single submitter. Criteria: Invitae Variant Classification Sherloc (09022015). Collection method: clinical testing. Allele origin: germline.
Comment: For these reasons, this variant has been classified as Pathogenic. Algorithms developed to predict the effect of sequence changes on RNA splicing suggest that this variant may create or strengthen a splice site. This variant has not been reported in the literature in individuals affected with FANCI-related conditions. This variant is present in population databases (no rsID available, gnomAD 0.01%). This sequence change creates a premature translational stop signal (p.Ser333*) in the FANCI gene. It is expected to result in an absent or disrupted protein product. Loss-of-function variants in FANCI are known to be pathogenic (PMID: 17452773, 17460694).

Fulgent Genetics
Classification: Likely pathogenic for Fanconi anemia complementation group I. Last evaluated: 2021-08-03. Review status: criteria provided, single submitter. Criteria: ACMG Guidelines, 2015. Collection method: clinical testing. Allele origin: unknown.

Literature cited by the submitters: PubMed 17452773 (cited by Labcorp Genetics (formerly Invitae), Labcorp); PubMed 17460694 (cited by Labcorp Genetics (formerly Invitae), Labcorp).